The following is an entry in ClinVar:

ClinVar aggregate classification (germline): Uncertain significance. Review status: criteria provided, multiple submitters, no conflicts (2 of 4 stars). 2 submissions from 2 submitters: Uncertain significance (2). Last evaluated 2026-09-17.

Conditions:
Factor I deficiency (CFID). Also called: Complement factor I deficiency. Identifiers: Orphanet 200418, MedGen C3463916, MONDO:0012594, OMIM 610984.
Age related macular degeneration 13. Identifiers: MedGen C3809523, MONDO:0014189, OMIM 615439.
Atypical hemolytic-uremic syndrome with I factor anomaly. Also called: HEMOLYTIC UREMIC SYNDROME, ATYPICAL, SUSCEPTIBILITY TO, 3; AHUS, SUSCEPTIBILITY TO, 3. Identifiers: Orphanet 2134, MedGen C2752039, MONDO:0013041, OMIM 612923.
CFI-related disorder. Also called: CFI-related disorders; CFI-related condition. Identifiers: MedGen CN239325.

gnomAD v4.1: 2 of 1,611,910 alleles (0.00012%); highest among the groups gnomAD compares: Admixed American, 0.0033%; no homozygotes.

Submissions (2):

Genomenon, Inc
Classification: Uncertain significance for CFI-related disorder. Last evaluated: 2026-09-17. Review status: criteria provided, single submitter. Criteria: Genomenon Sequence Variant Interpretation Standards - Updated. Collection method: curation. Allele origin: germline. Affected: no.
Comment: CFI p.Ala346Thr (c.1036G>A) is a missense variant that changes the amino acid at codon 346 from Alanine to Threonine. This variant has been reported in the published literature (PMID:22393059). This variant is located in a mutational hotspot and/or important functional domain. It is absent or not present at a significant frequency in gnomAD. In silico models predict that this variant is possibly or probably damaging. In conclusion, we classify CFI p.Ala346Thr (c.1036G>A) as a variant of uncertain significance.

Fulgent Genetics
Classification: Uncertain significance for Factor I deficiency; Atypical hemolytic-uremic syndrome with I factor anomaly; Age related macular degeneration 13. Last evaluated: 2024-05-07. Review status: criteria provided, single submitter. Criteria: ACMG Guidelines, 2015. Collection method: clinical testing. Allele origin: germline.

Literature cited by the submitters: PubMed 22393059 (cited by Genomenon, Inc).

NM_000204.5(CFI):c.1036G>A (p.Ala346Thr)

Gene: CFI (complement factor I; minus strand). Cytogenetic location: 4q25.
Variant type: single nucleotide variant.
Coding change: c.1036G>A on transcript NM_000204.5 (MANE Select); coding-DNA position 1036, G replaced by A.
Protein change: p.Ala346Thr; replaces alanine 346 with threonine.
Molecular consequence: missense variant. On other transcripts: non-coding transcript variant (3).
Genome position (GRCh38, 1-based): chr4:109,749,507, C>T on the plus strand (G>A on the coding strand, the complement: CFI is on the minus strand). VCF-style: chr4-109749507-C-T. GRCh37 (hg19) VCF-style: chr4-110670663-C-T.
Other names: c.1060G>A, p.Ala354Thr (NM_001318057.2, NM_001375278.1); c.1015G>A, p.Ala339Thr (NM_001331035.2, NM_001375280.1, NM_001375282.1); c.1036G>A, p.Ala346Thr (NM_001375279.1, NM_001375281.1); c.979G>A, p.Ala327Thr (NM_001375283.1); c.427G>A, p.Ala143Thr (NM_001375284.1); short protein forms A143T, A346T, A354T, A327T, A339T.
Identifiers: ClinVar variation 3589752 (VCV003589752.2).